The following is an entry in ClinVar:

ClinVar aggregate classification (germline): Benign/Likely benign. Review status: criteria provided, multiple submitters, no conflicts (2 of 4 stars). 4 submissions from 4 submitters: Benign (2); Likely benign (2). Last evaluated 2026-01-09.

Allele frequency attached by ClinVar (database versions not stated): 1000 Genomes Project 0.00020; 1000 Genomes Project 30x 0.00031; gnomAD 0.00067 and 0.00073; TOPMed 0.00070; gnomAD exomes 0.00109; ESP Exome Variant Server 0.00115; ExAC 0.00153.
gnomAD v4.1: 1,598 of 1,614,092 alleles (0.099%); highest among the groups gnomAD compares: Non-Finnish European, 0.12%; 4 homozygotes.

Submissions (4):

Labcorp Genetics (formerly Invitae), Labcorp
Classification: Benign. Last evaluated: 2026-01-09. Review status: criteria provided, single submitter. Criteria: Invitae Variant Classification Sherloc (09022015). Collection method: clinical testing. Allele origin: germline.

Blueprint Genetics
Classification: Likely benign. Last evaluated: 2024-11-27. Review status: criteria provided, single submitter. Criteria: ACMG Guidelines, 2015. Collection method: clinical testing. Allele origin: germline.

CeGaT Center for Human Genetics Tuebingen
Classification: Likely benign. Last evaluated: 2024-08-01. Review status: criteria provided, single submitter. Criteria: CeGaT Center For Human Genetics Tuebingen Variant Classification Criteria Version 2. Collection method: clinical testing. Allele origin: germline. Affected: yes. Observed: 1 variant allele.
Comment: YME1L1: BP4, BP7

Breakthrough Genomics
Classification: Benign. Review status: criteria provided, single submitter. Criteria: ACMG Guidelines, 2015. Collection method: not provided. Allele origin: germline. Inheritance: Autosomal recessive inheritance. Affected: yes.

NM_014263.4(YME1L1):c.1593T>C (p.Ile531=)

Gene: YME1L1 (YME1 like 1 ATPase; minus strand). Cytogenetic location: 10p12.1.
Variant type: single nucleotide variant.
Coding change: c.1593T>C on transcript NM_014263.4 (MANE Select); coding-DNA position 1593, T replaced by C.
Protein change: p.Ile531=; no amino-acid change (isoleucine 531 retained).
Molecular consequence: synonymous variant.
Genome position (GRCh38, 1-based): chr10:27,117,702, A>G on the plus strand (T>C on the coding strand, the complement: YME1L1 is on the minus strand). VCF-style: chr10-27117702-A-G. GRCh37 (hg19) VCF-style: chr10-27406631-A-G.
Other names: c.1494T>C, p.Ile498= (NM_001253866.2); c.1764T>C, p.Ile588= (NM_139312.3).
Identifiers: ClinVar variation 719282 (VCV000719282.27), dbSNP rs143656124, ClinGen allele CA5449284.
Genomic context (GRCh38, chr10:27,117,702, plus strand): 5'-ATATGCAATAATGGCATGACCAGATTCATGATATGCTGTGATGGTTTTGTTTTTGTTATC[A>G]ATTTCCACACTTCTTCTTTCAGGCCCTAAGATAAATTTAATTGAGTAAATACTCCATTAG-3'
Protein context (NP_055078.1, residues 521-541): LMGPERRSVE[Ile531=]DNKNKTITAY